The following is an entry in ClinVar:

ClinVar aggregate classification (germline): Pathogenic (1 of 4 stars; one submission).

Conditions:
Epilepsy, childhood absence 4 (ECA4). Also called: EPILEPSY, CHILDHOOD ABSENCE, SUSCEPTIBILITY TO, 4. Identifiers: Orphanet 307, MedGen C1970160.
Idiopathic generalized epilepsy. Also called: Generalised epilepsy; EIG. Identifiers: MedGen C0270850, MONDO:0005579, OMIM 600669.
Epilepsy, idiopathic generalized, susceptibility to, 13. Also called: EPILEPSY, JUVENILE MYOCLONIC, SUSCEPTIBILITY TO, 5. Identifiers: Orphanet 307, Orphanet 64280, MedGen C4013473, MONDO:0012627, OMIM 611136.

Submission:

Labcorp Genetics (formerly Invitae), Labcorp
Classification: Pathogenic for Epilepsy, childhood absence 4; Epilepsy, idiopathic generalized, susceptibility to, 13; Idiopathic generalized epilepsy. Last evaluated: 2020-07-26. Review status: criteria provided, single submitter. Criteria: Invitae Variant Classification Sherloc (09022015). Collection method: clinical testing. Allele origin: germline.
Comment: A gross deletion of the genomic region encompassing the full coding sequence of the GABRA1 gene has been identified. The boundaries of this event are unknown as the deletion extends beyond the assayed region for this gene and therefore may encompass additional genes. Isolated whole-gene deletions of GABRA1 have not been reported in the literature. However, larger copy number events that include this gene have been reported (PMID: 22190369, 24811917). Loss-of-function variants in GABRA1 are known to be pathogenic (PMID: 16718694). For these reasons, this variant has been classified as Pathogenic.

Literature cited by the submitters: PubMed 22190369; PubMed 24811917; PubMed 16718694.

NC_000005.9:g.(?_161128494)_(161580374_?)del

Genes: GABRA1 (gamma-aminobutyric acid type A receptor subunit alpha1; plus strand), GABRA6 (gamma-aminobutyric acid type A receptor subunit alpha6; plus strand), GABRG2 (gamma-aminobutyric acid type A receptor subunit gamma2; plus strand). Cytogenetic location: 5q34.
Variant type: Deletion.
Identifiers: ClinVar variation 1069674 (VCV001069674.1).